The following is an entry in ClinVar:

NM_001042492.3(NF1):c.7414_7415del (p.Pro2472fs)

Gene: NF1 (neurofibromin 1; plus strand). Cytogenetic location: 17q11.2.
Variant type: Deletion.
Coding change: c.7414_7415del on transcript NM_001042492.3 (MANE Select); coding-DNA positions 7414 to 7415, 2 bases deleted (CC; older notation c.7414_7415delCC).
Protein change: p.Pro2472fs; shifts the reading frame from proline 2472.
Molecular consequence: frameshift variant.
Genome position (GRCh38, 1-based): chr17:31,350,275-31,350,276, CC deleted. VCF-style (leftmost placement, unchanged base first): chr17-31350274-TCC-T. GRCh37 (hg19) VCF-style: chr17-29677292-TCC-T.
Other names: c.7351_7352delCC, p.Pro2451Tyrfs (NM_000267.4); short protein forms P2451fs, P2472fs.
Identifiers: ClinVar variation 2815951 (VCV002815951.3), dbSNP rs2508805885, ClinGen allele CA2739265575.

ClinVar aggregate classification (germline): Pathogenic (1 of 4 stars; one submission).

Conditions:
Neurofibromatosis, type 1 (NF1). Also called: VON RECKLINGHAUSEN DISEASE; Peripheral type neurofibromatosis; Neurofibromatosis, type I; NEUROFIBROMATOSIS, TYPE I, SOMATIC. Identifiers: Orphanet 636, MedGen C0027831, MONDO:0018975, OMIM 162200. Disease mechanism: loss of function.

Submission:

Labcorp Genetics (formerly Invitae), Labcorp
Classification: Pathogenic for Neurofibromatosis, type 1. Last evaluated: 2022-11-23. Review status: criteria provided, single submitter. Criteria: Invitae Variant Classification Sherloc (09022015). Collection method: clinical testing. Allele origin: germline.
Comment: For these reasons, this variant has been classified as Pathogenic. This variant has not been reported in the literature in individuals affected with NF1-related conditions. This variant is not present in population databases (gnomAD no frequency). This sequence change creates a premature translational stop signal (p.Pro2451Tyrfs*10) in the NF1 gene. It is expected to result in an absent or disrupted protein product. Loss-of-function variants in NF1 are known to be pathogenic (PMID: 10712197, 23913538).

Literature cited by the submitters: PubMed 10712197; PubMed 23913538.